The following is an entry in ClinVar:

NM_001184880.2(PCDH19):c.3404_3405del (p.Lys1135fs)

Gene: PCDH19 (protocadherin 19; minus strand). Cytogenetic location: Xq22.1.
Variant type: Deletion.
Coding change: c.3404_3405del on transcript NM_001184880.2 (MANE Select); coding-DNA positions 3404 to 3405, 2 bases deleted (AA; older notation c.3404_3405delAA).
Protein change: p.Lys1135fs; shifts the reading frame from lysine 1135.
Molecular consequence: frameshift variant.
Genome position (GRCh38, 1-based): chrX:100,296,319-100,296,320, TT deleted on the plus strand (AA on the coding strand, the reverse complement: PCDH19 is on the minus strand); deleting any 2 consecutive bases within chrX:100,296,319-100,296,321 gives the same sequence; the c. name uses the placement nearest the transcript's 3' end. VCF-style (leftmost placement, unchanged base first): chrX-100296318-CTT-C. GRCh37 (hg19) VCF-style: chrX-99551316-CTT-C.
Other names: c.3404_3405del (NM_001184880.1); c.3404_3405delAA (NM_001184880.1); c.3263_3264del, p.Lys1088fs (NM_001105243.2); c.3260_3261del, p.Lys1087fs (NM_020766.3); short protein forms K1088fs, K1087fs, K1135fs.
Identifiers: ClinVar variation 804048 (VCV000804048.11), dbSNP rs999749949, ClinGen allele CA333818011.
Genomic context (GRCh38, chrX:100,296,318, plus strand): 5'-CTTCTTCCTGGAGACTGGTTTAGAGAACGATATCCTTCAGACGCTTCACACCAGGGGACT[CTT>C]TGTTGCGACCTTCCTTCAGAATGGGGCTGACCTCATGCATGACTTTCTCGCTATCAGCTC-3'

ClinVar aggregate classification (germline): Uncertain significance. Review status: criteria provided, multiple submitters, no conflicts (2 of 4 stars). 3 submissions from 3 submitters: Uncertain significance (3). Last evaluated 2025-02-07.

Conditions:
Developmental and epileptic encephalopathy, 9 (DEE9). Also called: JUBERG-HELLMAN SYNDROME; Early infantile epileptic encephalopathy 9; EPILEPSY, FEMALE-RESTRICTED, WITH MENTAL RETARDATION; PCDH19-Related X-Linked Female-Limited Epilepsy with Mental Retardation. Identifiers: Orphanet 101039, Orphanet 2076, MedGen C1848137, MONDO:0010246, OMIM 300088. Disease mechanism: loss of function.

Submissions (3):

Labcorp Genetics (formerly Invitae), Labcorp
Classification: Uncertain significance for Developmental and epileptic encephalopathy, 9. Last evaluated: 2025-02-07. Review status: criteria provided, single submitter. Criteria: Invitae Variant Classification Sherloc (09022015). Collection method: clinical testing. Allele origin: germline.
Comment: This sequence change results in a frameshift in the PCDH19 gene (p.Lys1135Argfs*28). While this is not anticipated to result in nonsense mediated decay, it is expected to disrupt the last 14 amino acid(s) of the PCDH19 protein and extend the protein by 13 additional amino acid residues. This variant is present in population databases (no rsID available, gnomAD 0.02%). This frameshift has been observed in individual(s) with developmental and epileptic encephalopathy (PMID: 31054490, 33057194). This variant is also known as c.3263_3264delAA (p.Lys1088ArgfsX28). ClinVar contains an entry for this variant (Variation ID: 804048). In summary, the available evidence is currently insufficient to determine the role of this variant in disease. Therefore, it has been classified as a Variant of Uncertain Significance.

GeneDx
Classification: Uncertain significance. Last evaluated: 2024-12-10. Review status: criteria provided, single submitter. Criteria: GeneDx Variant Classification Process June 2021. Collection method: clinical testing. Allele origin: germline. Affected: yes.
Comment: Frameshift variant predicted to result in abnormal protein length as the last 14 amino acids are replaced with 27 different amino acids; Not observed at significant frequency in large population cohorts (gnomAD); This variant is associated with the following publications: (PMID: 31054490, 33057194)

Mendelics
Classification: Uncertain significance for Developmental and epileptic encephalopathy, 9. Last evaluated: 2019-05-28. Review status: criteria provided, single submitter. Criteria: Mendelics Assertion Criteria 2017. Collection method: clinical testing. Allele origin: unknown.

Literature cited by the submitters: PubMed 31054490 (cited by Labcorp Genetics (formerly Invitae), Labcorp); PubMed 33057194 (cited by Labcorp Genetics (formerly Invitae), Labcorp).